The following is an entry in ClinVar:

ClinVar aggregate classification (germline): Conflicting classifications of pathogenicity. Review status: criteria provided, conflicting classifications (1 of 4 stars). 10 submissions from 10 submitters: Uncertain significance (7); Likely benign (1). 2 of the submissions do not count toward it. Last evaluated 2025-12-09.

Conditions:
Hereditary cancer-predisposing syndrome. Also called: Hereditary Cancer Syndrome; Hereditary neoplastic syndrome; Neoplastic Syndromes, Hereditary; Tumor predisposition. Identifiers: Orphanet 140162, MedGen C0027672, MeSH D009386, MONDO:0015356.
Hereditary breast ovarian cancer syndrome. Also called: BRCA1- and BRCA2-Associated Hereditary Breast and Ovarian Cancer; Hereditary breast and ovarian cancer syndrome; Hereditary breast and ovarian cancer syndrome (HBOC); Breast and ovarian cancer; Hereditary breast and/or ovarian cancer syndrome; Hereditary breast and ovarian cancer. Identifiers: Orphanet 145, MedGen C0677776, MeSH D061325, MONDO:0003582. Disease mechanism: loss of function.
Breast-ovarian cancer, familial, susceptibility to, 1 (BROVCA1). Also called: BRCA1 Hereditary Breast and Ovarian Cancer; OVARIAN CANCER, SUSCEPTIBILITY TO. Identifiers: Orphanet 145, MedGen C2676676, MONDO:0011450, OMIM 604370. Disease mechanism: loss of function.

gnomAD v4.1: 6 of 1,614,152 alleles (0.00037%); highest among the groups gnomAD compares: Non-Finnish European, 0.00051%; no homozygotes.

Submissions (10):

Women's Health and Genetics/Laboratory Corporation of America, LabCorp
Classification: Uncertain significance. Last evaluated: 2025-12-09. Review status: criteria provided, single submitter. Criteria: LabCorp Variant Classification Summary - May 2015. Collection method: clinical testing. Allele origin: germline.
Comment: Variant summary: BRCA1 c.3713C>G (p.Pro1238Arg) results in a non-conservative amino acid change in the encoded protein sequence. Algorithms developed to predict the effect of missense changes on protein structure and function are either unavailable or do not agree on the potential impact of this missense change. The variant allele was found at a frequency of 4e-06 in 251286 control chromosomes. The available data on variant occurrences in the general population are insufficient to allow any conclusion about variant significance. c.3713C>G has been observed in individual(s) undergoing genetic testing for breast cancer (Abkevich_2004, Fortuno_2024). These report(s) do not provide unequivocal conclusions about association of the variant with Hereditary Breast And Ovarian Cancer Syndrome. To our knowledge, no experimental evidence demonstrating an impact on protein function has been reported. The following publications have been ascertained in the context of this evaluation (PMID: 15235020, 39402389). ClinVar contains an entry for this variant (Variation ID: 54974). Based on the evidence outlined above, the variant was classified as uncertain significance.

Labcorp Genetics (formerly Invitae), Labcorp
Classification: Uncertain significance for Hereditary breast ovarian cancer syndrome. Last evaluated: 2025-11-20. Review status: criteria provided, single submitter. Criteria: Invitae Variant Classification Sherloc (09022015). Collection method: clinical testing. Allele origin: germline.
Comment: This sequence change replaces proline, which is neutral and non-polar, with arginine, which is basic and polar, at codon 1238 of the BRCA1 protein (p.Pro1238Arg). This variant is present in population databases (rs28897688, gnomAD 0.0009%). This missense change has been observed in individual(s) with clinical features of BRCA1-related conditions (PMID: 10923033, 21520333). ClinVar contains an entry for this variant (Variation ID: 54974). Invitae Evidence Modeling of protein sequence and biophysical properties (such as structural, functional, and spatial information, amino acid conservation, physicochemical variation, residue mobility, and thermodynamic stability) indicates that this missense variant is expected to disrupt BRCA1 protein function with a positive predictive value of 80%. In summary, the available evidence is currently insufficient to determine the role of this variant in disease. Therefore, it has been classified as a Variant of Uncertain Significance.

Ambry Genetics
Classification: Uncertain significance for Hereditary cancer-predisposing syndrome. Last evaluated: 2025-06-09. Review status: criteria provided, single submitter. Criteria: Ambry Variant Classification Scheme 2023. Collection method: clinical testing. Allele origin: germline.
Comment: The p.P1238R variant (also known as c.3713C>G), located in coding exon 9 of the BRCA1 gene, results from a C to G substitution at nucleotide position 3713. The proline at codon 1238 is replaced by arginine, an amino acid with dissimilar properties. This amino acid position is well conserved in available vertebrate species. In addition, the in silico prediction for this alteration is inconclusive. Based on the available evidence, the clinical significance of this variant remains unclear.

Quest Diagnostics Nichols Institute San Juan Capistrano
Classification: Uncertain significance. Last evaluated: 2024-06-17. Review status: criteria provided, single submitter. Criteria: Quest Diagnostics criteria. Collection method: clinical testing. Allele origin: unknown.
Comment: The BRCA1 c.3713C>G (p.Pro1238Arg) variant has been reported in the published literature in individuals undergoing hereditary cancer testing (PMID: 31853058 (2020), 15235020 (2004)), and described to be located in a region of the BRCA1 gene that is tolerant to missense sequence changes (PMID: 31911673 (2020)). The frequency of this variant in the general population, 0.000004 (1/251286 chromosomes (Genome Aggregation Database)), is uninformative in the assessment of its pathogenicity. Analysis of this variant using bioinformatics tools for the prediction of the effect of amino acid changes on protein structure and function yielded conflicting predictions that this variant is benign or damaging. Based on the available information, we are unable to determine the clinical significance of this variant.

All of Us Research Program, National Institutes of Health
Classification: Uncertain significance for Breast-ovarian cancer, familial, susceptibility to, 1. Last evaluated: 2024-01-11. Review status: criteria provided, single submitter. Criteria: ACMG Guidelines, 2015. Collection method: clinical testing. Allele origin: germline. Inheritance: Autosomal dominant inheritance. Observed: 1 variant allele, 1 heterozygote.
Comment: This missense variant replaces proline with arginine at codon 1238 of the BRCA1 protein. Computational prediction suggests that this variant may not impact protein structure and function (internally defined REVEL score threshold <= 0.5, PMID: 27666373). To our knowledge, functional studies have not been reported for this variant. This variant has not been reported in individuals affected with hereditary cancer in the literature. This variant has been identified in 1/251286 chromosomes in the general population by the Genome Aggregation Database (gnomAD). The available evidence is insufficient to determine the role of this variant in disease conclusively. Therefore, this variant is classified as a Variant of Uncertain Significance.

This study involves interpretation of variants in research participants for the purpose of population health screening. Participant phenotype was not available at the time of variant classification. Additional details can be found in publication PMID: 35346344, PMCID: PMC8962531

University of Washington Department of Laboratory Medicine, University of Washington
Classification: Likely benign for Hereditary cancer-predisposing syndrome. Last evaluated: 2023-03-23. Review status: criteria provided, single submitter. Criteria: Dines et al. (Genet Med. 2020). Collection method: curation. Allele origin: germline.
Comment: Missense variant in a coldspot region where missense variants are very unlikely to be pathogenic (PMID:31911673).

BRCA1 coldspot (exon 11 using historical exon numbering). Reclassification based on statistical prior probability

GeneDx
Classification: Uncertain significance. Last evaluated: 2022-08-11. Review status: criteria provided, single submitter. Criteria: GeneDx Variant Classification Process June 2021. Collection method: clinical testing. Allele origin: germline. Affected: yes.
Comment: Not observed at significant frequency in large population cohorts (gnomAD); In silico analysis supports that this missense variant does not alter protein structure/function; Has not been previously published as pathogenic or benign to our knowledge; Also known as 3832C>G; This variant is associated with the following publications: (PMID: 15235020)

Color Diagnostics, LLC DBA Color Health
Classification: Uncertain significance for Hereditary cancer-predisposing syndrome. Last evaluated: 2022-01-24. Review status: criteria provided, single submitter. Criteria: ACMG Guidelines, 2015. Collection method: clinical testing. Allele origin: germline.
Comment: This missense variant replaces proline with arginine at codon 1238 of the BRCA1 protein. Computational prediction suggests that this variant may not impact protein structure and function (internally defined REVEL score threshold <= 0.5, PMID: 27666373). To our knowledge, functional studies have not been reported for this variant. This variant has not been reported in individuals affected with hereditary cancer in the literature. This variant has been identified in 1/251286 chromosomes in the general population by the Genome Aggregation Database (gnomAD). The available evidence is insufficient to determine the role of this variant in disease conclusively. Therefore, this variant is classified as a Variant of Uncertain Significance.

Sharing Clinical Reports Project (SCRP)
Classification: Uncertain significance for Breast-ovarian cancer, familial 1. Last evaluated: 2009-12-21. Review status: no assertion criteria provided. Collection method: clinical testing. Allele origin: germline. Not counted in ClinVar's aggregate classification.

Breast Cancer Information Core (BIC) (BRCA1)
Classification: Uncertain significance for Breast-ovarian cancer, familial 1. Review status: no assertion criteria provided. Collection method: clinical testing. Allele origin: germline. Affected: yes. Observed: 1 variant allele. Not counted in ClinVar's aggregate classification.

Literature cited by the submitters: PubMed 15235020 (cited by 3 submitters); PubMed 39402389 (cited by Women's Health and Genetics/Laboratory Corporation of America, LabCorp); PubMed 10923033 (cited by Labcorp Genetics (formerly Invitae), Labcorp and Quest Diagnostics Nichols Institute San Juan Capistrano); PubMed 21520333 (cited by Labcorp Genetics (formerly Invitae), Labcorp); PubMed 31911673 (cited by Quest Diagnostics Nichols Institute San Juan Capistrano); PubMed 31853058 (cited by Quest Diagnostics Nichols Institute San Juan Capistrano).

NM_007294.4(BRCA1):c.3713C>G (p.Pro1238Arg)

Genes: BRCA1 (BRCA1 DNA repair associated; minus strand), LOC126862571 (BRD4-independent group 4 enhancer GRCh37_chr17:41243136-41244335; plus strand). Cytogenetic location: 17q21.31.
Variant type: single nucleotide variant.
Coding change: c.3713C>G on transcript NM_007294.4 (MANE Select); coding-DNA position 3713, C replaced by G.
Protein change: p.Pro1238Arg; replaces proline 1238 with arginine.
Molecular consequence: missense variant. On other transcripts: intron variant (135).
Genome position (GRCh38, 1-based): chr17:43,091,818, G>C on the plus strand (C>G on the coding strand, the complement: BRCA1 is on the minus strand). VCF-style: chr17-43091818-G-C. GRCh37 (hg19) VCF-style: chr17-41243835-G-C.
Other names: 3832C>G; c.3500C>G, p.Pro1167Arg (NM_001407571.1, NM_001407853.1, NM_001407894.1 and 9 more transcripts); c.3713C>G, p.Pro1238Arg (NM_001407581.1, NM_001407582.1, NM_001407583.1 and 30 more transcripts); c.3710C>G, p.Pro1237Arg (NM_001407587.1, NM_001407590.1, NM_001407591.1 and 22 more transcripts); c.3704C>G, p.Pro1235Arg (NM_001407646.1, NM_001407647.1); c.3590C>G, p.Pro1197Arg (NM_001407648.1, NM_001407664.1, NM_001407665.1 and 19 more transcripts); c.3587C>G, p.Pro1196Arg (NM_001407649.1, NM_001407670.1, NM_001407671.1 and 11 more transcripts); c.3635C>G, p.Pro1212Arg (NM_001407653.1, NM_001407654.1, NM_001407655.1 and 4 more transcripts); and 42 more; short protein forms P1238R, P1191R, P1126R, P1149R, P1212R, P942R, P1150R, P1235R.
Identifiers: ClinVar variation 54974 (VCV000054974.23), dbSNP rs28897688, ClinGen allele CA002381.